The following is an entry in ClinVar:

ClinVar aggregate classification (germline): Uncertain significance (1 of 4 stars; one submission).

Conditions:
Bardet-Biedl syndrome (BBS). Identifiers: Orphanet 110, MedGen C0752166, MONDO:0015229.

Submission:

Labcorp Genetics (formerly Invitae), Labcorp
Classification: Uncertain significance for Bardet-Biedl syndrome. Last evaluated: 2024-01-02. Review status: criteria provided, single submitter. Criteria: Invitae Variant Classification Sherloc (09022015). Collection method: clinical testing. Allele origin: germline.
Comment: This sequence change replaces alanine, which is neutral and non-polar, with valine, which is neutral and non-polar, at codon 94 of the TRIM32 protein (p.Ala94Val). This variant is not present in population databases (gnomAD no frequency). This variant has not been reported in the literature in individuals affected with TRIM32-related conditions. ClinVar contains an entry for this variant (Variation ID: 1365583). An algorithm developed to predict the effect of missense changes on protein structure and function (PolyPhen-2) suggests that this variant is likely to be tolerated. In summary, the available evidence is currently insufficient to determine the role of this variant in disease. Therefore, it has been classified as a Variant of Uncertain Significance.

NM_012210.4(TRIM32):c.281C>T (p.Ala94Val)

Genes: ASTN2 (astrotactin 2; minus strand), TRIM32 (tripartite motif containing 32; plus strand). Cytogenetic location: 9q33.1.
Variant type: single nucleotide variant.
Coding change: c.281C>T on transcript NM_012210.4 (MANE Select); coding-DNA position 281, C replaced by T.
Protein change: p.Ala94Val; replaces alanine 94 with valine.
Molecular consequence: missense variant. On other transcripts: intron variant (3).
Genome position (GRCh38, 1-based): chr9:116,698,023, C>T. VCF-style: chr9-116698023-C-T. GRCh37 (hg19) VCF-style: chr9-119460302-C-T.
Other names: c.281C>T, p.Ala94Val (NM_001379048.1, NM_001379049.1, NM_001379050.1 and 1 more transcripts); c.2653+27748G>A (NM_014010.5); c.2794+27748G>A (NM_001365069.1); c.2806+27748G>A (NM_001365068.1); short protein forms A94V.
Identifiers: ClinVar variation 1365583 (VCV001365583.8), dbSNP rs997358002, ClinGen allele CA374647963.
Genomic context (GRCh38, chr9:116,698,023, plus strand): 5'-CCCAGCTGACAGACAATCTGACAGTGCTAAAGATCATTGATACAGCTGGGCTCAGCGAGG[C>T]TGTGGGGCTGCTCATGTGTCGGTCCTGTGGGCGGCGTCTGCCCCGGCAATTCTGCCGGAG-3'
Protein context (NP_036342.2, residues 84-104): KIIDTAGLSE[Ala94Val]VGLLMCRSCG